The following is an entry in ClinVar:

ClinVar aggregate classification (germline): Uncertain significance (1 of 4 stars; one submission).

Conditions:
Hereditary breast ovarian cancer syndrome. Also called: Hereditary breast and/or ovarian cancer syndrome; Hereditary breast and ovarian cancer syndrome (HBOC); Breast and ovarian cancer; Hereditary breast and ovarian cancer syndrome; Hereditary breast and ovarian cancer; BRCA1- and BRCA2-Associated Hereditary Breast and Ovarian Cancer. Identifiers: Orphanet 145, MedGen C0677776, MeSH D061325, MONDO:0003582. Disease mechanism: loss of function.

Submission:

Labcorp Genetics (formerly Invitae), Labcorp
Classification: Uncertain significance for Hereditary breast ovarian cancer syndrome. Last evaluated: 2023-12-17. Review status: criteria provided, single submitter. Criteria: Invitae Variant Classification Sherloc (09022015). Collection method: clinical testing. Allele origin: germline.
Comment: This sequence change replaces leucine, which is neutral and non-polar, with serine, which is neutral and polar, at codon 3119 of the BRCA2 protein (p.Leu3119Ser). This variant is not present in population databases (gnomAD no frequency). This variant has not been reported in the literature in individuals affected with BRCA2-related conditions. Advanced modeling of protein sequence and biophysical properties (such as structural, functional, and spatial information, amino acid conservation, physicochemical variation, residue mobility, and thermodynamic stability) performed at Invitae indicates that this missense variant is not expected to disrupt BRCA2 protein function with a negative predictive value of 95%. In summary, the available evidence is currently insufficient to determine the role of this variant in disease. Therefore, it has been classified as a Variant of Uncertain Significance.

NM_000059.4(BRCA2):c.9356T>C (p.Leu3119Ser)

Gene: BRCA2 (BRCA2 DNA repair associated; plus strand). Cytogenetic location: 13q13.1.
Variant type: single nucleotide variant.
Coding change: c.9356T>C on transcript NM_000059.4 (MANE Select); coding-DNA position 9356, T replaced by C.
Protein change: p.Leu3119Ser; replaces leucine 3119 with serine.
Molecular consequence: missense variant. On other transcripts: non-coding transcript variant (1).
Genome position (GRCh38, 1-based): chr13:32,394,788, T>C. VCF-style: chr13-32394788-T-C. GRCh37 (hg19) VCF-style: chr13-32968925-T-C.
Other names: c.9260T>C, p.Leu3087Ser (NM_001406719.1); c.9305T>C, p.Leu3102Ser (NM_001406720.1); c.4424T>C, p.Leu1475Ser (NM_001406721.1); c.2939T>C, p.Leu980Ser (NM_001406722.1); short protein forms L3119S, L3102S, L1475S, L3087S, L980S.
Identifiers: ClinVar variation 2703663 (VCV002703663.3), dbSNP rs80359207, ClinGen allele CA387761130.
Genomic context (GRCh38, chr13:32,394,788, plus strand): 5'-ATTTACTGGCAATAAAGTTTTGGATAGACCTTAATGAGGACATTATTAAGCCTCATATGT[T>C]AATTGCTGCAAGCAACCTCCAGTGGCGACCAGAATCCAAATCAGGCCTTCTTACTTTATT-3'
Protein context (NP_000050.3, residues 3109-3129): LNEDIIKPHM[Leu3119Ser]IAASNLQWRP